The following is an entry in ClinVar:

ClinVar aggregate classification (germline): Likely benign (1 of 4 stars; one submission).

Allele frequency attached by ClinVar (database versions not stated): ExAC 0.00001; gnomAD exomes 0.00002.
gnomAD v4.1: 12 of 1,614,030 alleles (0.00074%); highest among the groups gnomAD compares: Non-Finnish European, 0.001%; no homozygotes.

Submission:

CeGaT Center for Human Genetics Tuebingen
Classification: Likely benign. Last evaluated: 2023-03-01. Review status: criteria provided, single submitter. Criteria: CeGaT Center For Human Genetics Tuebingen Variant Classification Criteria Version 2. Collection method: clinical testing. Allele origin: germline. Affected: yes. Observed: 1 variant allele.
Comment: ATP13A1: BP4, BP7

NM_020410.3(ATP13A1):c.1590C>T (p.Cys530=)

Gene: ATP13A1 (ATPase 13A1; minus strand). Cytogenetic location: 19p13.11.
Variant type: single nucleotide variant.
Coding change: c.1590C>T on transcript NM_020410.3 (MANE Select); coding-DNA position 1590, C replaced by T.
Protein change: p.Cys530=; no amino-acid change (cysteine 530 retained).
Molecular consequence: synonymous variant.
Genome position (GRCh38, 1-based): chr19:19,655,184, G>A on the plus strand (C>T on the coding strand, the complement: ATP13A1 is on the minus strand). VCF-style: chr19-19655184-G-A. GRCh37 (hg19) VCF-style: chr19-19765993-G-A.
Identifiers: ClinVar variation 2649612 (VCV002649612.24), dbSNP rs777123156, ClinGen allele CA9331423.
Genomic context (GRCh38, chr19:19,655,184, plus strand): 5'-CCCGGCCACACCGCGCACCACCAGGCTGTCACTGGTCAACGTCCCCGTCTTGTCAAAGCA[G>A]CACACCTCGACCTTGCCAGCAAAGGGGATCCGGAAGGGCTCTGTGCAGTACATGTCTAGG-3'
Protein context (NP_065143.2, residues 520-540): RIPFAGKVEV[Cys530=]CFDKTGTLTS